The following is an entry in ClinVar:

NM_001429.4(EP300):c.1876C>T (p.Arg626Ter)

Gene: EP300 (E1A binding protein p300; plus strand). Cytogenetic location: 22q13.2.
Variant type: single nucleotide variant.
Coding change: c.1876C>T on transcript NM_001429.4 (MANE Select); coding-DNA position 1876, C replaced by T.
Protein change: p.Arg626Ter; replaces arginine 626 with a stop codon.
Molecular consequence: nonsense.
Genome position (GRCh38, 1-based): chr22:41,140,255, C>T. VCF-style: chr22-41140255-C-T. GRCh37 (hg19) VCF-style: chr22-41536259-C-T.
Other names: c.1876C>T, p.Arg626Ter (NM_001362843.2); short protein forms R626*.
Identifiers: ClinVar variation 1801010 (VCV001801010.1), dbSNP rs2145725035, ClinGen allele CA411687821.

ClinVar aggregate classification (germline): Pathogenic (1 of 4 stars; one submission).

Submission:

GeneDx
Classification: Pathogenic. Last evaluated: 2022-05-25. Review status: criteria provided, single submitter. Criteria: GeneDx Variant Classification Process June 2021. Collection method: clinical testing. Allele origin: germline. Affected: yes.
Comment: Reported in a patient with Rubinstein-Taybi syndrome but specific clinical information was not provided (Negri et al., 2016); Nonsense variant predicted to result in protein truncation or nonsense mediated decay in a gene for which loss of function is a known mechanism of disease; Not observed at significant frequency in large population cohorts (gnomAD); This variant is associated with the following publications: (PMID: 26486927)